The following is an entry in ClinVar:

NM_024757.5(EHMT1):c.44C>T (p.Pro15Leu)

Gene: EHMT1 (euchromatic histone lysine methyltransferase 1; plus strand). Cytogenetic location: 9q34.3.
Variant type: single nucleotide variant.
Coding change: c.44C>T on transcript NM_024757.5 (MANE Select); coding-DNA position 44, C replaced by T.
Protein change: p.Pro15Leu; replaces proline 15 with leucine.
Molecular consequence: missense variant. On other transcripts: intron variant (2).
Genome position (GRCh38, 1-based): chr9:137,710,989, C>T. VCF-style: chr9-137710989-C-T. GRCh37 (hg19) VCF-style: chr9-140605441-C-T.
Other names: c.44C>T, p.Pro15Leu (NM_001145527.2, NM_001354263.2, NM_001354611.2); c.-8-5637C>T (NM_001354259.2, NM_001354612.2); short protein forms P15L.
Identifiers: ClinVar variation 943495 (VCV000943495.9), dbSNP rs1389665235, ClinGen allele CA375759594.

ClinVar aggregate classification (germline): Conflicting classifications of pathogenicity. Review status: criteria provided, conflicting classifications (1 of 4 stars). 2 submissions from 2 submitters: Uncertain significance (1); Benign (1). Last evaluated 2024-07-22.

Conditions:
Kleefstra syndrome 1 (KLEFS1). Identifiers: Orphanet 261494, MedGen C0795833, MONDO:0027407, OMIM 610253.

Allele frequency attached by ClinVar (database versions not stated): TOPMed below 0.00001; gnomAD exomes 0.00001.
gnomAD v4.1: 7 of 1,599,436 alleles (0.00044%); highest among the groups gnomAD compares: Admixed American, 0.0017%; no homozygotes.

Submissions (2):

Labcorp Genetics (formerly Invitae), Labcorp
Classification: Benign for Kleefstra syndrome 1. Last evaluated: 2024-07-22. Review status: criteria provided, single submitter. Criteria: Invitae Variant Classification Sherloc (09022015). Collection method: clinical testing. Allele origin: germline.

GeneDx
Classification: Uncertain significance. Last evaluated: 2022-06-16. Review status: criteria provided, single submitter. Criteria: GeneDx Variant Classification Process June 2021. Collection method: clinical testing. Allele origin: germline. Affected: yes.
Comment: In silico analysis supports that this missense variant does not alter protein structure/function; Has not been previously published as pathogenic or benign to our knowledge